The following is an entry in ClinVar:

NM_000379.4(XDH):c.545A>G (p.Asn182Ser)

Gene: XDH (xanthine dehydrogenase; minus strand). Cytogenetic location: 2p23.1.
Variant type: single nucleotide variant.
Coding change: c.545A>G on transcript NM_000379.4 (MANE Select); coding-DNA position 545, A replaced by G.
Protein change: p.Asn182Ser; replaces asparagine 182 with serine.
Molecular consequence: missense variant.
Genome position (GRCh38, 1-based): chr2:31,388,246, T>C on the plus strand (A>G on the coding strand, the complement: XDH is on the minus strand). VCF-style: chr2-31388246-T-C. GRCh37 (hg19) VCF-style: chr2-31611112-T-C.
Other names: short protein forms N182S.
Identifiers: ClinVar variation 895999 (VCV000895999.11), dbSNP rs770109772, ClinGen allele CA1599587.

ClinVar aggregate classification (germline): Conflicting classifications of pathogenicity. Review status: criteria provided, conflicting classifications (1 of 4 stars). 4 submissions from 4 submitters: Uncertain significance (3); Likely benign (1). Last evaluated 2025-02-10.

Conditions:
Inborn genetic diseases. Identifiers: MedGen C0950123, MeSH D030342.
Xanthinuria type II. Also called: Xanthine dehydrogenase and aldehyde oxidase combined deficiency of; XDH and AOX dual deficiency. Identifiers: Orphanet 3467, Orphanet 93602, MedGen C1863688, MONDO:0011346, OMIM 603592.
Hereditary xanthinuria type 1 (XAN1). Identifiers: Orphanet 3467, Orphanet 93601, MedGen C0268118, MONDO:0010209, OMIM 278300.

Allele frequency attached by ClinVar (database versions not stated): gnomAD 0.00002 and 0.00003; gnomAD exomes 0.00002 and 0.00003; TOPMed 0.00002; ExAC 0.00006.
gnomAD v4.1: 33 of 1,614,060 alleles (0.002%); highest among the groups gnomAD compares: Middle Eastern, 0.016%; no homozygotes.

Submissions (4):

Labcorp Genetics (formerly Invitae), Labcorp
Classification: Uncertain significance for Xanthinuria type II. Last evaluated: 2025-02-10. Review status: criteria provided, single submitter. Criteria: Invitae Variant Classification Sherloc (09022015). Collection method: clinical testing. Allele origin: germline.
Comment: This sequence change replaces asparagine, which is neutral and polar, with serine, which is neutral and polar, at codon 182 of the XDH protein (p.Asn182Ser). This variant is present in population databases (rs770109772, gnomAD 0.01%). This variant has not been reported in the literature in individuals affected with XDH-related conditions. ClinVar contains an entry for this variant (Variation ID: 895999). An algorithm developed to predict the effect of missense changes on protein structure and function outputs the following: PolyPhen-2: "Benign". The serine amino acid residue is found in multiple mammalian species, which suggests that this missense change does not adversely affect protein function. In summary, the available evidence is currently insufficient to determine the role of this variant in disease. Therefore, it has been classified as a Variant of Uncertain Significance.

Ambry Genetics
Classification: Likely benign for Inborn genetic diseases. Last evaluated: 2024-01-24. Review status: criteria provided, single submitter. Criteria: Ambry Variant Classification Scheme 2023. Collection method: clinical testing. Allele origin: germline.

Fulgent Genetics
Classification: Uncertain significance for Hereditary xanthinuria type 1. Last evaluated: 2021-09-24. Review status: criteria provided, single submitter. Criteria: ACMG Guidelines, 2015. Collection method: clinical testing. Allele origin: unknown.

Illumina Laboratory Services, Illumina
Classification: Uncertain significance for Hereditary xanthinuria type 1. Last evaluated: 2018-03-23. Review status: criteria provided, single submitter. Criteria: ICSL Variant Classification Criteria 13 December 2019. Collection method: clinical testing. Allele origin: germline.